The following is an entry in ClinVar:

ClinVar aggregate classification (germline): Uncertain significance. Review status: criteria provided, multiple submitters, no conflicts (2 of 4 stars). 2 submissions from 2 submitters: Uncertain significance (2). Last evaluated 2018-08-30.

Conditions:
Microphthalmia, syndromic 9. Also called: ANOPHTHALMIA, CLINICAL, WITH MILD FACIAL DYSMORPHISM AND VARIABLE MALFORMATIONS OF THE LUNG, HEART, AND DIAPHRAGM; ANOPHTHALMIA/MICROPHTHALMIA AND PULMONARY HYPOPLASIA; Matthew-Wood syndrome; PULMONARY AGENESIS, MICROPHTHALMIA, AND DIAPHRAGMATIC DEFECT; SPEAR SYNDROME. Identifiers: Orphanet 2470, MedGen C1832661, MONDO:0011010, OMIM 601186.

Allele frequency attached by ClinVar (database versions not stated): gnomAD 0.00001; gnomAD exomes 0.00008 and 0.00022; TOPMed 0.00009; ExAC 0.00029.
gnomAD v4.1: 45 of 1,545,084 alleles (0.0029%); highest among the groups gnomAD compares: Admixed American, 0.095%; no homozygotes.

Submissions (2):

Baylor Genetics
Classification: Uncertain significance for Microphthalmia, syndromic 9. Last evaluated: 2018-08-30. Review status: criteria provided, single submitter. Criteria: ACMG Guidelines, 2015. Collection method: clinical testing. Allele origin: unknown. Affected: yes.
Comment: This variant was determined to be of uncertain significance according to ACMG Guidelines, 2015 [PMID:25741868].

Illumina Laboratory Services, Illumina
Classification: Uncertain significance for Microphthalmia, syndromic 9. Last evaluated: 2018-01-13. Review status: criteria provided, single submitter. Criteria: ICSL Variant Classification Criteria 13 December 2019. Collection method: clinical testing. Allele origin: germline.

NM_022369.4(STRA6):c.4T>C (p.Ser2Pro)

Gene: STRA6 (signaling receptor and transporter of retinol STRA6; minus strand). Cytogenetic location: 15q24.1.
Variant type: single nucleotide variant.
Coding change: c.4T>C on transcript NM_022369.4 (MANE Select); coding-DNA position 4, T replaced by C.
Protein change: p.Ser2Pro; replaces serine 2 with proline.
Molecular consequence: missense variant.
Genome position (GRCh38, 1-based): chr15:74,202,264, A>G on the plus strand (T>C on the coding strand, the complement: STRA6 is on the minus strand). VCF-style: chr15-74202264-A-G. GRCh37 (hg19) VCF-style: chr15-74494605-A-G.
Other names: c.4T>C, p.Ser2Pro (NM_001142617.2, NM_001142618.2, NM_001142619.2 and 1 more transcripts); c.115T>C, p.Ser39Pro (NM_001199040.2); c.49T>C, p.Ser17Pro (NM_001199041.2); c.121T>C, p.Ser41Pro (NM_001199042.2); short protein forms S2P, S39P, S17P, S41P.
Identifiers: ClinVar variation 317119 (VCV000317119.6), dbSNP rs763026708, ClinGen allele CA7655141.